The following is an entry in ClinVar:

NM_001876.4(CPT1A):c.925G>T (p.Glu309Ter)

Gene: CPT1A (carnitine palmitoyltransferase 1A; minus strand). Cytogenetic location: 11q13.3.
Variant type: single nucleotide variant.
Coding change: c.925G>T on transcript NM_001876.4 (MANE Select); coding-DNA position 925, G replaced by T.
Protein change: p.Glu309Ter; replaces glutamic acid 309 with a stop codon.
Molecular consequence: nonsense.
Genome position (GRCh38, 1-based): chr11:68,793,357, C>A on the plus strand (G>T on the coding strand, the complement: CPT1A is on the minus strand). VCF-style: chr11-68793357-C-A. GRCh37 (hg19) VCF-style: chr11-68560825-C-A.
Other names: c.925G>T, p.Glu309Ter (NM_001031847.3, NM_001440358.1, NM_001440359.1 and 4 more transcripts); c.817G>T, p.Glu273Ter (NM_001440363.1); c.739G>T, p.Glu247Ter (NM_001440365.1); short protein forms E247*, E273*, E309*.
Identifiers: ClinVar variation 5015787 (VCV005015787.1).
Genomic context (GRCh38, chr11:68,793,357, plus strand): 5'-TGAAGAAGCTTGACTCACCTGTCTCCTCTCCTGGGATCCGGGAAGTATTAAACATCCGCT[C>A]CCACTGAGCGGAGCAGAGTGGAATCGTGGATCCCAAAAGACGAATCTGTAACAAAAATAT-3'

ClinVar aggregate classification (germline): Pathogenic (1 of 4 stars; one submission).

Conditions:
Carnitine palmitoyl transferase 1A deficiency. Also called: Carnitine palmitoyltransferase 1A deficiency; CPT deficiency, hepatic, type IA; Carnitine palmitoyltransferase type I deficiency; CPT I DEFICIENCY; CPT DEFICIENCY, HEPATIC, TYPE I. Identifiers: Orphanet 156, MedGen C1829703, MONDO:0009705, OMIM 255120.

Submission:

Myriad Genetics, Inc.
Classification: Pathogenic for Carnitine palmitoyl transferase 1A deficiency. Last evaluated: 2026-04-11. Review status: criteria provided, single submitter. Criteria: Myriad Autosomal Dominant, Autosomal Recessive and X-Linked Classification Criteria (2023). Collection method: clinical testing. Allele origin: unknown.
Comment: NM_001876.3(CPT1A):c.925G>T(E309*) is expected to be pathogenic in the context of carnitine palmitoyltransferase IA deficiency. This variant is predicted to lead to an abnormal or absent protein product due to the creation of a premature termination codon in CPT1A, a gene where loss-of-function variants are known to be pathogenic. Please note: this variant was assessed in the context of healthy population screening.